The following is an entry in ClinVar:

NM_006517.5(SLC16A2):c.394G>T (p.Glu132Ter)

Gene: SLC16A2 (solute carrier family 16 member 2; plus strand). Cytogenetic location: Xq13.2.
Variant type: single nucleotide variant.
Coding change: c.394G>T on transcript NM_006517.5 (MANE Select); coding-DNA position 394, G replaced by T.
Protein change: p.Glu132Ter; replaces glutamic acid 132 with a stop codon.
Molecular consequence: nonsense.
Genome position (GRCh38, 1-based): chrX:74,422,031, G>T. VCF-style: chrX-74422031-G-T. GRCh37 (hg19) VCF-style: chrX-73641866-G-T.
Other names: short protein forms E132*.
Identifiers: ClinVar variation 3336777 (VCV003336777.2).

ClinVar aggregate classification (germline): Likely pathogenic (1 of 4 stars; one submission).

Conditions:
Allan-Herndon-Dudley syndrome (AHDS). Also called: T3 RESISTANCE; TRIIODOTHYRONINE RESISTANCE; ALLAN-HERNDON SYNDROME; MENTAL RETARDATION AND MUSCULAR ATROPHY; Passos-Bueno syndrome. Identifiers: Orphanet 59, MedGen C0795889, MONDO:0010354, OMIM 300523.

Submission:

Molecular Diagnostics Lab, Nemours Children's Health, Delaware
Classification: Likely pathogenic for Allan-Herndon-Dudley syndrome. Last evaluated: 2021-01-22. Review status: criteria provided, single submitter. Criteria: ACMG Guidelines, 2015. Collection method: clinical testing. Allele origin: maternal, unknown. Inheritance: X-linked inheritance. Affected: yes and no. Observed: 2 heterozygotes, 1 hemizygote. Clinical features observed: Delayed myelination (HP:0012448), Hypotonia (HP:0001252), Global developmental delay (HP:0001263).
Comment: This nonsense variant (c.394G>T, p.Glu132*) has not been observed in population databases (gnomAD) and has not been described in the literature. No functional studies have been published.